The following is an entry in ClinVar:

NM_015425.6(POLR1A):c.5063-12T>C

Gene: POLR1A (RNA polymerase I subunit A; minus strand). Cytogenetic location: 2p11.2.
Variant type: single nucleotide variant.
Coding change: c.5063-12T>C on transcript NM_015425.6 (MANE Select); 12 bases into the intron before coding-DNA position 5063, T replaced by C.
Molecular consequence: intron variant.
Genome position (GRCh38, 1-based): chr2:86,027,535, A>G on the plus strand (T>C on the coding strand, the complement: POLR1A is on the minus strand). VCF-style: chr2-86027535-A-G. GRCh37 (hg19) VCF-style: chr2-86254658-A-G.
Identifiers: ClinVar variation 5019246 (VCV005019246.2).

ClinVar aggregate classification (germline): Uncertain significance (1 of 4 stars; one submission).

Conditions:
Leukodystrophy, hypomyelinating, 27 (HLD27). Identifiers: MedGen C5882743, MONDO:0958018, OMIM 620675.
Acrofacial dysostosis Cincinnati type. Identifiers: Orphanet 1200, MedGen C4225317, MONDO:0014651, OMIM 616462.

Submission:

Juno Genomics, Hangzhou Juno Genomics, Inc
Classification: Uncertain significance for Leukodystrophy, hypomyelinating, 27; Acrofacial dysostosis Cincinnati type. Review status: criteria provided, single submitter. Criteria: ACMG Guidelines, 2015. Collection method: clinical testing. Allele origin: germline.
Comment: Absent from controls (or at extremely low frequency if recessive) in Genome Aggregation Database.;Multiple lines of computational evidence support a deleterious effect on the gene or gene product.